The following is an entry in ClinVar:

ClinVar aggregate classification (germline): Pathogenic. Review status: reviewed by expert panel (3 of 4 stars). 23 submissions from 23 submitters: Pathogenic (1). 22 of the submissions do not count toward it. Last evaluated 2016-04-22.

Conditions:
BRCA2-related cancer predisposition. Identifiers: MedGen CN377758, MONDO:0700269.
BRCA2-related disorder. Also called: BRCA2-related condition; BRCA2-related disorders. Identifiers: MedGen CN239275.
Pancreatic cancer, susceptibility to, 2. Identifiers: Orphanet 1333, MedGen C3150546, MONDO:0013235, OMIM 613347.
Glioma susceptibility 3 (GLM3). Also called: Glioblastoma 3. Identifiers: Orphanet 182067, Orphanet 360, MedGen C2751641, MONDO:0013093, OMIM 613029.
Familial prostate cancer. Also called: Hereditary Prostate Cancer. Identifiers: MedGen C2931456, MONDO:0700275, OMIM 176807.
Breast-ovarian cancer, familial, susceptibility to, 2 (BROVCA2). Also called: BRCA2 Hereditary Breast and Ovarian Cancer. Identifiers: Orphanet 145, MedGen C2675520, MONDO:0012933, OMIM 612555. Disease mechanism: loss of function.
Fanconi anemia complementation group D1. Also called: BRCA2-Related Fanconi Anemia. Identifiers: Orphanet 319462, MedGen C1838457, MONDO:0011584, OMIM 605724.
Medulloblastoma (MDB). Also called: Medulloblastoma, somatic; MEDULLOBLASTOMA PREDISPOSITION SYNDROME. Identifiers: Orphanet 616, MedGen C0025149, MeSH D008527, MONDO:0007959, OMIM 155255, HP:0002885.
Wilms tumor 1 (WT1). Also called: Wilms tumor, somatic. Identifiers: Orphanet 654, MedGen CN033288, MONDO:0008679, OMIM 194070.
Familial cancer of breast. Also called: BREAST CANCER, FAMILIAL; hereditary breast carcinoma; Hereditary breast cancer. Identifiers: Orphanet 227535, MedGen C0346153, MONDO:0016419, OMIM 114480. Disease mechanism: loss of function.
Hereditary cancer-predisposing syndrome. Also called: Neoplastic Syndromes, Hereditary; Tumor predisposition; Hereditary Cancer Syndrome; Hereditary neoplastic syndrome. Identifiers: Orphanet 140162, MedGen C0027672, MeSH D009386, MONDO:0015356.
Hereditary breast ovarian cancer syndrome. Also called: Breast and ovarian cancer; Hereditary breast and ovarian cancer; Hereditary breast and ovarian cancer syndrome (HBOC); Hereditary breast and ovarian cancer syndrome; BRCA1- and BRCA2-Associated Hereditary Breast and Ovarian Cancer; Hereditary breast and/or ovarian cancer syndrome. Identifiers: Orphanet 145, MedGen C0677776, MeSH D061325, MONDO:0003582. Disease mechanism: loss of function.
Malignant tumor of breast. Also called: Cancer breast; Malignant breast neoplasm. Identifiers: MedGen C0006142, MONDO:0007254. Disease mechanism: loss of function.

Submissions 1 to 8 of 23:

Evidence-based Network for the Interpretation of Germline Mutant Alleles (ENIGMA)
Classification: Pathogenic for Breast-ovarian cancer, familial, susceptibility to, 2. Last evaluated: 2016-04-22. Review status: reviewed by expert panel. Criteria: ENIGMA BRCA1/2 Classification Criteria (2015). Collection method: curation. Allele origin: germline.
Comment: Variant allele predicted to encode a truncated non-functional protein.

Labcorp Genetics (formerly Invitae), Labcorp
Classification: Pathogenic for Hereditary breast ovarian cancer syndrome. Last evaluated: 2026-01-28. Review status: criteria provided, single submitter. Criteria: Invitae Variant Classification Sherloc (09022015). Collection method: clinical testing. Allele origin: germline. Not counted in ClinVar's aggregate classification.
Comment: This sequence change creates a premature translational stop signal (p.Leu1466Phefs*2) in the BRCA2 gene. It is expected to result in an absent or disrupted protein product. Loss-of-function variants in BRCA2 are known to be pathogenic (PMID: 20104584). This variant is present in population databases (rs755956766, gnomAD 0.0009%). This premature translational stop signal has been observed in individual(s) with breast, ovarian, and prostate cancer (PMID: 17700570, 24504028, 24728189, 26681312, 27406733, 27831900). This variant is also known as 4625_4629delACATT and 1465_1467del. ClinVar contains an entry for this variant (Variation ID: 51640). For these reasons, this variant has been classified as Pathogenic.

ARUP Laboratories, Molecular Genetics and Genomics, ARUP Laboratories
Classification: Pathogenic. Last evaluated: 2025-07-30. Review status: criteria provided, single submitter. Criteria: ARUP Molecular Germline Variant Investigation Process 2024. Collection method: clinical testing. Allele origin: germline. Not counted in ClinVar's aggregate classification.
Comment: The BRCA2 c.4398_4402del; p.Leu1466PhefsTer2 variant (rs80359444, ClinVar Variation ID: 51640), also published as 4626delACATT and 4625_4629delACATT, is reported in the literature in individuals affected with breast, ovarian, or prostate cancer (Agalliu 2007, Alsop 2012, George 2016, Song 2014, Susswein 2016). This variant is only observed on one allele in the Genome Aggregation Database (v2.1.1), indicating it is not a common polymorphism. This variant causes a frameshift by deleting five nucleotides, so it is predicted to result in a truncated protein or mRNA subject to nonsense-mediated decay. Based on available information, this variant is considered to be pathogenic. References: Agalliu I et al. Rare germline mutations in the BRCA2 gene are associated with early-onset prostate cancer. Br J Cancer. 2007 Sep 17;97(6):826-31. PMID: 17700570. Alsop K et al. BRCA mutation frequency and patterns of treatment response in BRCA mutation-positive women with ovarian cancer: a report from the Australian Ovarian Cancer Study Group. J Clin Oncol. 2012 Jul 20;30(21):2654-63. PMID: 22711857. George A et al. Implementing rapid, robust, cost-effective, patient-centred, routine genetic testing in ovarian cancer patients. Sci Rep. 2016 Jul 13;6:29506. PMID: 27406733. Song H et al. The contribution of deleterious germline mutations in BRCA1, BRCA2 and the mismatch repair genes to ovarian cancer in the population. Hum Mol Genet. 2014 Sep 1;23(17):4703-9. PMID: 24728189. Susswein LR et al. Pathogenic and likely pathogenic variant prevalence among the first 10,000 patients referred for next-generation cancer panel testing. Genet Med. 2016 Aug;18(8):823-32. PMID: 26681312.

Ambry Genetics
Classification: Pathogenic for Hereditary cancer-predisposing syndrome. Last evaluated: 2025-07-21. Review status: criteria provided, single submitter. Criteria: Ambry Variant Classification Scheme 2023. Collection method: clinical testing. Allele origin: germline. Not counted in ClinVar's aggregate classification.
Comment: The c.4398_4402delACATT pathogenic mutation, located in coding exon 10 of the BRCA2 gene, results from a deletion of 5 nucleotides at nucleotide positions 4398 to 4402, causing a translational frameshift with a predicted alternate stop codon (p.L1466Ffs*2). This variant, also designated as 4625_4629delACATT, has been reported in individuals with a personal history of breast, ovarian, prostate, and/or pancreatic cancer (Agalliu I et al. Br. J. Cancer 2007 Sep;97(6):826-31; Cunningham JM et al. Sci. Rep. 2014 Feb;4:4026; Natarajan P et al. Sci. Transl. Med. 2016 Nov;8(364):364ra151; Walker EJ et al. Fam. Cancer. 2019 Apr;18:241-251). In addition to the clinical data presented in the literature, this alteration is expected to result in loss of function by premature protein truncation or nonsense-mediated mRNA decay. As such, this alteration is interpreted as a disease-causing mutation.

Mayo Clinic Laboratories, Mayo Clinic
Classification: Pathogenic. Last evaluated: 2024-12-30. Review status: criteria provided, single submitter. Criteria: ACMG Guidelines, 2015. Collection method: clinical testing. Allele origin: germline. Observed: 2 variant alleles. Not counted in ClinVar's aggregate classification.
Comment: PM5_strong, PVS1

Molecular Pathology, Peter Maccallum Cancer Centre
Classification: Pathogenic for Breast-ovarian cancer, familial, susceptibility to, 2. Last evaluated: 2024-11-15. Review status: criteria provided, single submitter. Criteria: ACMG Guidelines, 2015. Collection method: clinical testing. Allele origin: germline. Inheritance: Autosomal dominant inheritance. Not counted in ClinVar's aggregate classification.

Blueprint Genetics
Classification: Pathogenic for BRCA2-related disorders. Last evaluated: 2024-09-20. Review status: criteria provided, single submitter. Criteria: ACMG Guidelines, 2015. Collection method: clinical testing. Allele origin: germline. Affected: yes. Observed: 5 variant alleles. Not counted in ClinVar's aggregate classification.

All of Us Research Program, National Institutes of Health
Classification: Pathogenic for BRCA2-related cancer predisposition. Last evaluated: 2024-05-10. Review status: criteria provided, single submitter. Criteria: ACMG Guidelines, 2015. Collection method: clinical testing. Allele origin: germline. Inheritance: Autosomal dominant inheritance. Observed: 4 variant alleles, 4 heterozygotes. Not counted in ClinVar's aggregate classification.
Comment: The c.4398_4402del variant in the BRCA2 gene is located on the exon 11 and is predicted to shift the reading frame such that it introduces a premature translation termination codon (p.Leu1466Phefs*2), resulting in an absent or disrupted protein product. The variant has been reported in multiple individuals with breast and/or ovarian cancer (PMID: 29446198, 29446198, 26681312). Other protein termination codon variants located in the same exon (p.Ser1404*, p.Gln2160*, p.Cys2256*) have been classified as pathogenic (ClinVar ID: 91815, 266950, 52180). Loss-of-function variants in the BRCA2 gene are known to be pathogenic (PMID: 8988179, 11897832, 29446198). The variant is reported in ClinVar and interpreted as pathogenic by the expert panel (ID: 51640). The variant is rare in general population according to gnomAD (1/246640 chromosomes). Therefore, the c.4398_4402del (p.Leu1466Phefs*2) variant in the BRCA2 gene has been classified as pathogenic.

This study involves interpretation of variants in research participants for the purpose of population health screening. Participant phenotype was not available at the time of variant classification. Additional details can be found in publication PMID: 35346344, PMCID: PMC8962531

NM_000059.4(BRCA2):c.4398_4402del (p.Leu1466fs)

Gene: BRCA2 (BRCA2 DNA repair associated; plus strand). Cytogenetic location: 13q13.1.
Variant type: Deletion.
Coding change: c.4398_4402del on transcript NM_000059.4 (MANE Select); coding-DNA positions 4398 to 4402, 5 bases deleted (ACATT; older notation c.4398_4402delACATT).
Protein change: p.Leu1466fs; shifts the reading frame from leucine 1466.
Molecular consequence: frameshift variant.
Genome position (GRCh38, 1-based): chr13:32,338,753-32,338,757, ACATT deleted; deleting any 5 consecutive bases within chr13:32,338,750-32,338,757 gives the same sequence; the c. name uses the placement nearest the transcript's 3' end. VCF-style (leftmost placement, unchanged base first): chr13-32338749-AATTAC-A. GRCh37 (hg19) VCF-style: chr13-32912886-AATTAC-A.
Other names: 4626_4630del5; 4626del5; c.4398_4402delACATT (NM_000059.3).
Identifiers: ClinVar variation 51640 (VCV000051640.52), dbSNP rs80359444, ClinGen allele CA020088.
Genomic context (GRCh38, chr13:32,338,749, plus strand): 5'-AAATTGTAAATTTCTTTGATCAGAAACCAGAAGAATTGCATAACTTTTCCTTAAATTCTG[AATTAC>A]ATTCTGACATAAGAAAGAACAAAATGGACATTCTAAGTTATGAGGAAACAGACATAGTTA-3'